The following is an entry in ClinVar:

NM_004998.4(MYO1E):c.3007A>G (p.Thr1003Ala)

Gene: MYO1E (myosin IE; minus strand). Cytogenetic location: 15q22.2.
Variant type: single nucleotide variant.
Coding change: c.3007A>G on transcript NM_004998.4 (MANE Select); coding-DNA position 3007, A replaced by G.
Protein change: p.Thr1003Ala; replaces threonine 1003 with alanine.
Molecular consequence: missense variant.
Genome position (GRCh38, 1-based): chr15:59,153,663, T>C on the plus strand (A>G on the coding strand, the complement: MYO1E is on the minus strand). VCF-style: chr15-59153663-T-C. GRCh37 (hg19) VCF-style: chr15-59445862-T-C.
Other names: short protein forms T1003A.
Identifiers: ClinVar variation 1439268 (VCV001439268.6), dbSNP rs762762940, ClinGen allele CA7589055.

ClinVar aggregate classification (germline): Uncertain significance. Review status: criteria provided, multiple submitters, no conflicts (2 of 4 stars). 2 submissions from 2 submitters: Uncertain significance (2). Last evaluated 2024-10-16.

Conditions:
Focal segmental glomerulosclerosis 6 (FSGS6). Identifiers: Orphanet 656, MedGen C3279905, MONDO:0013589, OMIM 614131.

Allele frequency attached by ClinVar (database versions not stated): ExAC 0.00005; gnomAD exomes 0.00010.
gnomAD v4.1: 72 of 1,614,044 alleles (0.0045%); highest among the groups gnomAD compares: Admixed American, 0.068%; no homozygotes.

Submissions (2):

Labcorp Genetics (formerly Invitae), Labcorp
Classification: Uncertain significance. Last evaluated: 2024-10-16. Review status: criteria provided, single submitter. Criteria: Invitae Variant Classification Sherloc (09022015). Collection method: clinical testing. Allele origin: germline.
Comment: This sequence change replaces threonine, which is neutral and polar, with alanine, which is neutral and non-polar, at codon 1003 of the MYO1E protein (p.Thr1003Ala). This variant is present in population databases (rs762762940, gnomAD 0.07%). This variant has not been reported in the literature in individuals affected with MYO1E-related conditions. ClinVar contains an entry for this variant (Variation ID: 1439268). An algorithm developed to predict the effect of missense changes on protein structure and function (PolyPhen-2) suggests that this variant is likely to be tolerated. In summary, the available evidence is currently insufficient to determine the role of this variant in disease. Therefore, it has been classified as a Variant of Uncertain Significance.

Fulgent Genetics
Classification: Uncertain significance for Focal segmental glomerulosclerosis 6. Last evaluated: 2022-02-01. Review status: criteria provided, single submitter. Criteria: ACMG Guidelines, 2015. Collection method: clinical testing. Allele origin: unknown.